The following is an entry in ClinVar:

ClinVar aggregate classification (germline): Uncertain significance (1 of 4 stars; one submission).

gnomAD v4.1: 2 of 1,614,210 alleles (0.00012%); highest among the groups gnomAD compares: Non-Finnish European, 0.00017%; no homozygotes.

Submission:

Labcorp Genetics (formerly Invitae), Labcorp
Classification: Uncertain significance. Last evaluated: 2025-01-15. Review status: criteria provided, single submitter. Criteria: Invitae Variant Classification Sherloc (09022015). Collection method: clinical testing. Allele origin: germline.
Comment: This sequence change replaces serine, which is neutral and polar, with cysteine, which is neutral and slightly polar, at codon 180 of the ZNF687 protein (p.Ser180Cys). This variant is present in population databases (no rsID available, gnomAD 0.0009%). This variant has not been reported in the literature in individuals affected with ZNF687-related conditions. An algorithm developed to predict the effect of missense changes on protein structure and function (PolyPhen-2) suggests that this variant is likely to be tolerated. In summary, the available evidence is currently insufficient to determine the role of this variant in disease. Therefore, it has been classified as a Variant of Uncertain Significance.

NM_020832.3(ZNF687):c.539C>G (p.Ser180Cys)

Gene: ZNF687 (zinc finger protein 687; plus strand). Cytogenetic location: 1q21.3.
Variant type: single nucleotide variant.
Coding change: c.539C>G on transcript NM_020832.3 (MANE Select); coding-DNA position 539, C replaced by G.
Protein change: p.Ser180Cys; replaces serine 180 with cysteine.
Molecular consequence: missense variant.
Genome position (GRCh38, 1-based): chr1:151,286,830, C>G. VCF-style: chr1-151286830-C-G. GRCh37 (hg19) VCF-style: chr1-151259306-C-G.
Other names: c.539C>G, p.Ser180Cys (NM_001304763.2, NM_001304764.2); short protein forms S180C.
Identifiers: ClinVar variation 3728452 (VCV003728452.2).